The following is an entry in ClinVar:

ClinVar aggregate classification (germline): Uncertain significance. Review status: criteria provided, multiple submitters, no conflicts (2 of 4 stars). 2 submissions from 2 submitters: Uncertain significance (2). Last evaluated 2025-10-30.

Conditions:
Inborn genetic diseases. Identifiers: MedGen C0950123, MeSH D030342.
Congenital myopathy with internal nuclei and atypical cores. Also called: Myopathy, centronuclear, 4. Identifiers: Orphanet 319160, MedGen C4707232, MONDO:0013890, OMIM 614807.

Allele frequency attached by ClinVar (database versions not stated): gnomAD exomes 0.00002 and 0.00003; TOPMed 0.00002; ExAC 0.00003; gnomAD 0.00004 and 0.00005; ESP Exome Variant Server 0.00015; 1000 Genomes Project 30x 0.00016; 1000 Genomes Project 0.00020.
gnomAD v4.1: 29 of 1,611,166 alleles (0.0018%); highest among the groups gnomAD compares: Middle Eastern, 0.016%; no homozygotes.

Submissions (2):

Ambry Genetics
Classification: Uncertain significance for Inborn genetic diseases. Last evaluated: 2025-10-30. Review status: criteria provided, single submitter. Criteria: Ambry Variant Classification Scheme 2023. Collection method: clinical testing. Allele origin: germline.

Labcorp Genetics (formerly Invitae), Labcorp
Classification: Uncertain significance for Congenital myopathy with internal nuclei and atypical cores. Last evaluated: 2023-12-04. Review status: criteria provided, single submitter. Criteria: Invitae Variant Classification Sherloc (09022015). Collection method: clinical testing. Allele origin: germline.
Comment: This sequence change replaces alanine, which is neutral and non-polar, with threonine, which is neutral and polar, at codon 251 of the CCDC78 protein (p.Ala251Thr). This variant is present in population databases (rs371030168, gnomAD 0.01%). This variant has not been reported in the literature in individuals affected with CCDC78-related conditions. ClinVar contains an entry for this variant (Variation ID: 580704). Advanced modeling of protein sequence and biophysical properties (such as structural, functional, and spatial information, amino acid conservation, physicochemical variation, residue mobility, and thermodynamic stability) performed at Invitae indicates that this missense variant is not expected to disrupt CCDC78 protein function with a negative predictive value of 80%. In summary, the available evidence is currently insufficient to determine the role of this variant in disease. Therefore, it has been classified as a Variant of Uncertain Significance.

NM_001378030.1(CCDC78):c.751G>A (p.Ala251Thr)

Gene: CCDC78 (coiled-coil domain containing 78; minus strand). Cytogenetic location: 16p13.3.
Variant type: single nucleotide variant.
Coding change: c.751G>A on transcript NM_001378030.1 (MANE Select); coding-DNA position 751, G replaced by A.
Protein change: p.Ala251Thr; replaces alanine 251 with threonine.
Molecular consequence: missense variant. On other transcripts: non-coding transcript variant (5), intron variant (1).
Genome position (GRCh38, 1-based): chr16:724,695, C>T on the plus strand (G>A on the coding strand, the complement: CCDC78 is on the minus strand). VCF-style: chr16-724695-C-T. GRCh37 (hg19) VCF-style: chr16-774695-C-T.
Other names: c.751G>A, p.Ala251Thr (NM_001031737.3, NM_001378031.1); c.199-186G>A (NM_001378033.1); short protein forms A251T.
Identifiers: ClinVar variation 580704 (VCV000580704.10), dbSNP rs371030168, ClinGen allele CA7789441.